The following is an entry in ClinVar:

ClinVar aggregate classification (germline): Likely benign. Review status: criteria provided, multiple submitters, no conflicts (2 of 4 stars). 3 submissions from 3 submitters: Likely benign (3). Last evaluated 2026-07-06.

Conditions:
Rhabdoid tumor predisposition syndrome 2 (RTPS2). Identifiers: Orphanet 231108, Orphanet 69077, MedGen C2750074, MONDO:0013224, OMIM 613325.

Allele frequency attached by ClinVar (database versions not stated): gnomAD exomes 0.00001 and 0.00002; TOPMed 0.00001; ExAC 0.00001; gnomAD 0.00001.
gnomAD v4.1: 25 of 1,611,808 alleles (0.0016%); highest among the groups gnomAD compares: Middle Eastern, 0.097%; no homozygotes.

Submissions (3):

Myriad Genetics, Inc.
Classification: Likely benign for Rhabdoid tumor predisposition syndrome 2. Last evaluated: 2026-07-06. Review status: criteria provided, single submitter. Criteria: Myriad Autosomal Dominant, Autosomal Recessive and X-Linked Classification Criteria (2023). Collection method: clinical testing. Allele origin: unknown.
Comment: This variant is considered likely benign. This variant is intronic and is not expected to impact mRNA splicing.

Labcorp Genetics (formerly Invitae), Labcorp
Classification: Likely benign for Rhabdoid tumor predisposition syndrome 2. Last evaluated: 2026-01-28. Review status: criteria provided, single submitter. Criteria: Invitae Variant Classification Sherloc (09022015). Collection method: clinical testing. Allele origin: germline.

Blueprint Genetics
Classification: Likely benign. Last evaluated: 2024-06-07. Review status: criteria provided, single submitter. Criteria: ACMG Guidelines, 2015. Collection method: clinical testing. Allele origin: germline.

NM_003072.5(SMARCA4):c.1118+8C>T

Gene: SMARCA4 (SWI/SNF related BAF chromatin remodeling complex subunit ATPase 4; plus strand). Cytogenetic location: 19p13.2.
Variant type: single nucleotide variant.
Coding change: c.1118+8C>T on transcript NM_003072.5 (MANE Select); 8 bases into the intron after coding-DNA position 1118, C replaced by T.
Molecular consequence: intron variant.
Genome position (GRCh38, 1-based): chr19:10,987,932, C>T. VCF-style: chr19-10987932-C-T. GRCh37 (hg19) VCF-style: chr19-11098608-C-T.
Other names: c.1118+8C>T (NM_001128844.3, NM_001128849.3, NM_001128847.4 and 5 more transcripts).
Identifiers: ClinVar variation 408688 (VCV000408688.11), dbSNP rs757550479, ClinGen allele CA9203678.
Genomic context (GRCh38, chr19:10,987,932, plus strand): 5'-CAGAAGCCGCGGGGCCTCGACCCTGTGGAGATCCTGCAGGAGCGCGAGTACAGGTGAGGG[C>T]GGGGCCCAGTTGCCAAGGTCACTGCCCTGTGTCCCCCATGTCCCCCTGGGGAAGCCACTC-3'